The following is an entry in ClinVar:

NM_199420.4(POLQ):c.6521G>A (p.Gly2174Glu)

Gene: POLQ (DNA polymerase theta; minus strand). Cytogenetic location: 3q13.33.
Variant type: single nucleotide variant.
Coding change: c.6521G>A on transcript NM_199420.4 (MANE Select); coding-DNA position 6521, G replaced by A.
Protein change: p.Gly2174Glu; replaces glycine 2174 with glutamic acid.
Molecular consequence: missense variant.
Genome position (GRCh38, 1-based): chr3:121,473,372, C>T on the plus strand (G>A on the coding strand, the complement: POLQ is on the minus strand). VCF-style: chr3-121473372-C-T. GRCh37 (hg19) VCF-style: chr3-121192219-C-T.
Other names: short protein forms G2174E.
Identifiers: ClinVar variation 1754031 (VCV001754031.3), dbSNP rs2546774506, ClinGen allele CA354085828.
Genomic context (GRCh38, chr3:121,473,372, plus strand): 5'-TAGGTTCTGCCCTGCTCTGTGACTGCCCCAAAGAGCACCTTACTAGTGCTGAACTGTCTT[C>T]CCAGCCTTAGCTTGCGTCCATTGTCAATCCCTCTTCTGGTAGAACCCAGAGTTTTCTTGC-3'
Protein context (NP_955452.3, residues 2164-2184): GIDNGRKLRL[Gly2174Glu]RQFSTSKDVL

ClinVar aggregate classification (germline): Uncertain significance (1 of 4 stars; one submission).

Submission:

Ambry Genetics
Classification: Uncertain significance. Last evaluated: 2024-04-19. Review status: criteria provided, single submitter. Criteria: Ambry Variant Classification Scheme 2023. Collection method: clinical testing. Allele origin: germline.
Comment: The p.G2174E variant (also known as c.6521G>A), located in coding exon 21 of the POLQ gene, results from a G to A substitution at nucleotide position 6521. The glycine at codon 2174 is replaced by glutamic acid, an amino acid with similar properties. This amino acid position is conserved. In addition, this alteration is predicted to be tolerated by in silico analysis. Since supporting evidence is limited at this time, the clinical significance of this alteration remains unclear.